The following is an entry in ClinVar:

NM_000059.4(BRCA2):c.7753G>T (p.Gly2585Ter)

Gene: BRCA2 (BRCA2 DNA repair associated; plus strand). Cytogenetic location: 13q13.1.
Variant type: single nucleotide variant.
Coding change: c.7753G>T on transcript NM_000059.4 (MANE Select); coding-DNA position 7753, G replaced by T.
Protein change: p.Gly2585Ter; replaces glycine 2585 with a stop codon.
Molecular consequence: nonsense. On other transcripts: non-coding transcript variant (1).
Genome position (GRCh38, 1-based): chr13:32,357,877, G>T. VCF-style: chr13-32357877-G-T. GRCh37 (hg19) VCF-style: chr13-32932014-G-T.
Other names: c.7657G>T, p.Gly2553Ter (NM_001406719.1); c.7753G>T, p.Gly2585Ter (NM_001406720.1, NM_001432077.1); c.2821G>T, p.Gly941Ter (NM_001406721.1); c.1336G>T, p.Gly446Ter (NM_001406722.1); short protein forms G2585*, G941*, G2553*, G446*.
Identifiers: ClinVar variation 4629600 (VCV004629600.1).

ClinVar aggregate classification (germline): Pathogenic (1 of 4 stars; one submission).

Conditions:
Hereditary cancer-predisposing syndrome. Also called: Neoplastic Syndromes, Hereditary; Tumor predisposition; Hereditary Cancer Syndrome; Hereditary neoplastic syndrome. Identifiers: Orphanet 140162, MedGen C0027672, MeSH D009386, MONDO:0015356.

Submission:

Ambry Genetics
Classification: Pathogenic for Hereditary cancer-predisposing syndrome. Last evaluated: 2025-12-11. Review status: criteria provided, single submitter. Criteria: Ambry Variant Classification Scheme 2023. Collection method: clinical testing. Allele origin: germline.
Comment: The p.G2585* pathogenic mutation (also known as c.7753G>T), located in coding exon 15 of the BRCA2 gene, results from a G to T substitution at nucleotide position 7753. This changes the amino acid from a glycine to a stop codon within coding exon 15. This variant is considered to be rare based on population cohorts in the Genome Aggregation Database (gnomAD). This alteration is expected to result in loss of function by premature protein truncation or nonsense-mediated mRNA decay. As such, this alteration is interpreted as a disease-causing mutation.